The following is an entry in ClinVar:

ClinVar aggregate classification (germline): Uncertain significance (1 of 4 stars; one submission).

Conditions:
Tumor predisposition syndrome 3 (TPDS3). Also called: Melanoma, cutaneous malignant, susceptibility to, 10; Glioma susceptibility 9; LONG TELOMERE SYNDROME, POT1-RELATED; POT1 Tumor Predisposition. Identifiers: Orphanet 618, MedGen C4014476, MONDO:0014368, OMIM 615848.

Submission:

Labcorp Genetics (formerly Invitae), Labcorp
Classification: Uncertain significance for Tumor predisposition syndrome 3. Last evaluated: 2022-05-20. Review status: criteria provided, single submitter. Criteria: Invitae Variant Classification Sherloc (09022015). Collection method: clinical testing. Allele origin: germline.
Comment: In summary, the available evidence is currently insufficient to determine the role of this variant in disease. Therefore, it has been classified as a Variant of Uncertain Significance. Algorithms developed to predict the effect of missense changes on protein structure and function (SIFT, PolyPhen-2, Align-GVGD) all suggest that this variant is likely to be tolerated. This variant has not been reported in the literature in individuals affected with POT1-related conditions. This variant is not present in population databases (gnomAD no frequency). This sequence change replaces aspartic acid, which is acidic and polar, with glutamic acid, which is acidic and polar, at codon 155 of the POT1 protein (p.Asp155Glu).

NM_015450.3(POT1):c.465T>A (p.Asp155Glu)

Gene: POT1 (protection of telomeres 1; minus strand). Cytogenetic location: 7q31.33.
Variant type: single nucleotide variant.
Coding change: c.465T>A on transcript NM_015450.3 (MANE Select); coding-DNA position 465, T replaced by A.
Protein change: p.Asp155Glu; replaces aspartic acid 155 with glutamic acid.
Molecular consequence: missense variant. On other transcripts: non-coding transcript variant (3).
Genome position (GRCh38, 1-based): chr7:124,863,431, A>T on the plus strand (T>A on the coding strand, the complement: POT1 is on the minus strand). VCF-style: chr7-124863431-A-T. GRCh37 (hg19) VCF-style: chr7-124503485-A-T.
Other names: c.72T>A, p.Asp24Glu (NM_001042594.2); short protein forms D155E, D24E.
Identifiers: ClinVar variation 1997023 (VCV001997023.4), dbSNP rs2485479930, ClinGen allele CA369059101.